The following continues an entry in ClinVar:

NM_000231.3(SGCG):c.787G>A (p.Glu263Lys)

Gene: SGCG. ClinVar aggregate classification (germline): Pathogenic. Pathogenic (1).

Submissions 10 to 17 of 17:

Blueprint Genetics
Classification: Pathogenic for SGCG-related disorders. Last evaluated: 2023-02-15. Review status: criteria provided, single submitter. Criteria: ACMG Guidelines, 2015. Collection method: clinical testing. Allele origin: germline. Affected: yes. Observed: 5 variant alleles. Not counted in ClinVar's aggregate classification.

GeneDx
Classification: Pathogenic. Last evaluated: 2021-11-22. Review status: criteria provided, single submitter. Criteria: GeneDx Variant Classification Process June 2021. Collection method: clinical testing. Allele origin: germline. Affected: yes. Not counted in ClinVar's aggregate classification.
Comment: In silico analysis, which includes protein predictors and evolutionary conservation, supports a deleterious effect; Not observed at a significant frequency in large population cohorts (Lek et al., 2016); This variant is associated with the following publications: (PMID: 16832103, 25802879, 24534832, 22095924, 18285821, 31589614, 31980526, 27708273)

CeGaT Center for Human Genetics Tuebingen
Classification: Pathogenic. Last evaluated: 2021-06-01. Review status: criteria provided, single submitter. Criteria: CeGaT Center For Human Genetics Tuebingen Variant Classification Criteria Version 2. Collection method: clinical testing. Allele origin: germline. Affected: yes. Observed: 1 variant allele. Not counted in ClinVar's aggregate classification.

Eurofins Ntd Llc (ga)
Classification: Pathogenic. Last evaluated: 2016-10-04. Review status: criteria provided, single submitter. Criteria: EGL Classification Definitions. Collection method: clinical testing. Allele origin: germline. Observed: 37 variant alleles, 10 heterozygotes, 27 homozygotes. Not counted in ClinVar's aggregate classification.

Athena Diagnostics
Classification: Pathogenic for Severe autosomal recessive muscular dystrophy of childhood - North African type. Last evaluated: 2013-10-21. Review status: criteria provided, single submitter. Criteria: Athena Diagnostics Criteria. Collection method: clinical testing. Allele origin: germline. Inheritance: Autosomal recessive inheritance. Not counted in ClinVar's aggregate classification.

Equipe Genetique des Anomalies du Developpement, Université de Bourgogne
Classification: Pathogenic for Autosomal recessive limb-girdle muscular dystrophy type 2C. Review status: criteria provided, single submitter. Criteria: ACMG Guidelines, 2015. Collection method: clinical testing. Allele origin: unknown. Affected: yes. Not counted in ClinVar's aggregate classification.

Counsyl
Classification: Likely pathogenic for Autosomal recessive limb-girdle muscular dystrophy type 2C. Last evaluated: 2017-02-08. Review status: no assertion criteria provided. Collection method: clinical testing. Allele origin: unknown. Not counted in ClinVar's aggregate classification.

OMIM
Classification: Pathogenic for MUSCULAR DYSTROPHY, LIMB-GIRDLE, AUTOSOMAL RECESSIVE 5. Last evaluated: 2006-07-11. Review status: no assertion criteria provided. Collection method: literature only. Allele origin: germline. Not counted in ClinVar's aggregate classification.

Literature cited by the submitters: PubMed 16832103 (cited by 6 submitters); PubMed 18285821 (cited by 5 submitters); PubMed 24534832 (cited by 4 submitters); PubMed 25802879 (cited by 3 submitters); PubMed 27708273 (cited by Labcorp Genetics (formerly Invitae), Labcorp); PubMed 22095924 (cited by 5 submitters).